The following is an entry in ClinVar:

ClinVar aggregate classification (germline): Likely pathogenic (1 of 4 stars; one submission).

Conditions:
Developmental and epileptic encephalopathy, 42 (DEE42A). Also called: DEVELOPMENTAL AND EPILEPTIC ENCEPHALOPATHY 42A; EPILEPTIC ENCEPHALOPATHY, EARLY INFANTILE, 42A; Epileptic encephalopathy, early infantile, 42. Identifiers: MedGen C4310716, MONDO:0014917, OMIM 617106.
Episodic ataxia type 2 (EA2). Also called: ACETAZOLAMIDE-RESPONSIVE HEREDITARY PAROXYSMAL CEREBELLAR ATAXIA; ATAXIA, EPISODIC, WITH NYSTAGMUS; ATAXIA, FAMILIAL PAROXYSMAL; CEREBELLAR ATAXIA, PAROXYSMAL, ACETAZOLAMIDE-RESPONSIVE; CEREBELLOPATHY, HEREDITARY PAROXYSMAL; EPISODIC ATAXIA, NYSTAGMUS-ASSOCIATED. Identifiers: Orphanet 97, MedGen C1720416, MONDO:0007163, OMIM 108500.

Submission:

Labcorp Genetics (formerly Invitae), Labcorp
Classification: Likely pathogenic for Developmental and epileptic encephalopathy, 42; Episodic ataxia type 2. Last evaluated: 2022-11-16. Review status: criteria provided, single submitter. Criteria: Invitae Variant Classification Sherloc (09022015). Collection method: clinical testing. Allele origin: germline.
Comment: This sequence change replaces glutamic acid, which is acidic and polar, with alanine, which is neutral and non-polar, at codon 668 of the CACNA1A protein (p.Glu668Ala). This variant is not present in population databases (gnomAD no frequency). In summary, the currently available evidence indicates that the variant is pathogenic, but additional data are needed to prove that conclusively. Therefore, this variant has been classified as Likely Pathogenic. This variant disrupts the p.Glu668 amino acid residue in CACNA1A. Other variant(s) that disrupt this residue have been determined to be pathogenic (PMID: 24486772). This suggests that this residue is clinically significant, and that variants that disrupt this residue are likely to be disease-causing. Advanced modeling of protein sequence and biophysical properties (such as structural, functional, and spatial information, amino acid conservation, physicochemical variation, residue mobility, and thermodynamic stability) performed at Invitae indicates that this missense variant is expected to disrupt CACNA1A protein function. This missense change has been observed in individual(s) with clinical features of familial hemiplegic migraine (PMID: 21768184; Invitae).

Literature cited by the submitters: PubMed 24486772; PubMed 21768184.

NM_001127222.2(CACNA1A):c.2000A>C (p.Glu667Ala)

Gene: CACNA1A (calcium voltage-gated channel subunit alpha1 A; minus strand). Cytogenetic location: 19p13.13.
Variant type: single nucleotide variant.
Coding change: c.2000A>C on transcript NM_001127222.2 (MANE Select); coding-DNA position 2000, A replaced by C.
Protein change: p.Glu667Ala; replaces glutamic acid 667 with alanine.
Molecular consequence: missense variant.
Genome position (GRCh38, 1-based): chr19:13,303,871, T>G on the plus strand (A>C on the coding strand, the complement: CACNA1A is on the minus strand). VCF-style: chr19-13303871-T-G. GRCh37 (hg19) VCF-style: chr19-13414685-T-G.
Other names: c.2003A>C, p.Glu668Ala (NM_000068.4, NM_001127221.2, NM_001174080.2 and 1 more transcripts); short protein forms E667A, E668A.
Identifiers: ClinVar variation 2925640 (VCV002925640.3), dbSNP rs2512931633, ClinGen allele CA404344492.